The following is an entry in ClinVar:

NM_001754.5(RUNX1):c.517T>C (p.Phe173Leu)

Genes: RUNX1 (RUNX family transcription factor 1; minus strand), RUNX1-AS1 (RUNX1 antisense RNA 1; plus strand). Cytogenetic location: 21q22.12.
Variant type: single nucleotide variant.
Coding change: c.517T>C on transcript NM_001754.5 (MANE Select); coding-DNA position 517, T replaced by C.
Protein change: p.Phe173Leu; replaces phenylalanine 173 with leucine.
Molecular consequence: missense variant.
Genome position (GRCh38, 1-based): chr21:34,859,570, A>G on the plus strand (T>C on the coding strand, the complement: RUNX1 is on the minus strand). VCF-style: chr21-34859570-A-G. GRCh37 (hg19) VCF-style: chr21-36231867-A-G.
Other names: NM_001754.5(RUNX1):c.517T>C; p.Phe173Leu; c.436T>C, p.Phe146Leu (NM_001001890.3, NM_001122607.2); short protein forms F173L, F146L.
Identifiers: ClinVar variation 2108059 (VCV002108059.6), dbSNP rs2057542568, ClinGen allele CA410208141.

ClinVar aggregate classification (germline): Uncertain significance. Review status: reviewed by expert panel (3 of 4 stars). 3 submissions from 3 submitters: Uncertain significance (1). 2 of the submissions do not count toward it. Last evaluated 2025-01-15.

Conditions:
Hereditary thrombocytopenia and hematological cancer predisposition syndrome associated with RUNX1. Also called: Familial Platelet Disorder with Propensity to Acute Myelogenous Leukemia; Familial thrombocytopenia with propensity to acute myelogenous leukemia; PLATELET DISORDER, ASPIRIN-LIKE; RUNX1 Familial Platelet Disorder with Associated Myeloid Malignancies. Identifiers: Orphanet 71290, MedGen C1832388, MeSH C563324, MONDO:0100083, OMIM 601399.
Hereditary thrombocytopenia and hematologic cancer predisposition syndrome. Identifiers: Orphanet 71290, MedGen CN281654, MONDO:0011071.

Allele frequency attached by ClinVar (database versions not stated): gnomAD 0.00001; TOPMed 0.00001.
gnomAD v4.1: 1 of 1,613,718 alleles (0.000062%); highest among the groups gnomAD compares: Admixed American, 0.0017%; no homozygotes.

Submissions (3):

ClinGen Myeloid Malignancy Variant Curation Expert Panel
Classification: Uncertain significance for Hereditary thrombocytopenia and hematologic cancer predisposition syndrome. Last evaluated: 2025-01-15. Review status: reviewed by expert panel. Criteria: ClinGen MyeloMalig ACMG Specifications v2. Collection method: curation. Allele origin: germline. Inheritance: Autosomal dominant inheritance.
Comment: NM_001754.5(RUNX1):c.517T>C (p.Phe173Leu) is a missense variant which is located within the Runt Homology Domain (AA 89-204) but does not occur in an established hotspot residue (PM1_supporting). It has a REVEL score ≥ 0.88 (0.94) (PP3). In summary, the clinical significance of this variant is uncertain. ACMG/AMP criteria applied, as specified by the Myeloid Malignancy Variant Curation Expert Panel for RUNX1: PP3, PM1_supporting.

GeneDx
Classification: Uncertain significance. Last evaluated: 2025-01-07. Review status: criteria provided, single submitter. Criteria: GeneDx Variant Classification Process June 2021. Collection method: clinical testing. Allele origin: germline. Affected: yes. Not counted in ClinVar's aggregate classification.
Comment: Not observed at significant frequency in large population cohorts (gnomAD); In silico analysis supports that this missense variant has a deleterious effect on protein structure/function; Has not been previously published as pathogenic or benign to our knowledge

Labcorp Genetics (formerly Invitae), Labcorp
Classification: Uncertain significance for Hereditary thrombocytopenia and hematological cancer predisposition syndrome associated with RUNX1. Last evaluated: 2023-11-13. Review status: criteria provided, single submitter. Criteria: Invitae Variant Classification Sherloc (09022015). Collection method: clinical testing. Allele origin: germline. Not counted in ClinVar's aggregate classification.
Comment: This sequence change replaces phenylalanine, which is neutral and non-polar, with leucine, which is neutral and non-polar, at codon 173 of the RUNX1 protein (p.Phe173Leu). This variant is not present in population databases (gnomAD no frequency). This variant has not been reported in the literature in individuals affected with RUNX1-related conditions. ClinVar contains an entry for this variant (Variation ID: 2108059). Advanced modeling of protein sequence and biophysical properties (such as structural, functional, and spatial information, amino acid conservation, physicochemical variation, residue mobility, and thermodynamic stability) has been performed at Invitae for this missense variant, however the output from this modeling did not meet the statistical confidence thresholds required to predict the impact of this variant on RUNX1 protein function. In summary, the available evidence is currently insufficient to determine the role of this variant in disease. Therefore, it has been classified as a Variant of Uncertain Significance.